The following is an entry in ClinVar:

ClinVar aggregate classification (germline): Likely benign (1 of 4 stars; one submission).

Allele frequency attached by ClinVar (database versions not stated): 1000 Genomes Project 30x 0.00047; gnomAD 0.00055; ExAC 0.00067.

Submission:

CeGaT Center for Human Genetics Tuebingen
Classification: Likely benign. Last evaluated: 2023-03-01. Review status: criteria provided, single submitter. Criteria: CeGaT Center For Human Genetics Tuebingen Variant Classification Criteria Version 2. Collection method: clinical testing. Allele origin: germline. Affected: yes. Observed: 1 variant allele.
Comment: RSPH10B2: BP4, BS2

NM_001099697.2(RSPH10B2):c.2377C>T (p.Arg793Cys)

Gene: RSPH10B2 (radial spoke head 10 homolog B2; plus strand). Cytogenetic location: 7p22.1.
Variant type: single nucleotide variant.
Coding change: c.2377C>T on transcript NM_001099697.2 (MANE Select); coding-DNA position 2377, C replaced by T.
Protein change: p.Arg793Cys; replaces arginine 793 with cysteine.
Molecular consequence: missense variant.
Genome position (GRCh38, 1-based): chr7:6,796,711, C>T. VCF-style: chr7-6796711-C-T. GRCh37 (hg19) VCF-style: chr7-6836342-C-T.
Other names: short protein forms R793C.
Identifiers: ClinVar variation 2657313 (VCV002657313.24), dbSNP rs760407287, ClinGen allele CA4158082.